The following is an entry in ClinVar:

NM_001379110.1(SLC9A6):c.170-125C>T

Gene: SLC9A6 (solute carrier family 9 member A6; plus strand). Cytogenetic location: Xq26.3.
Variant type: single nucleotide variant.
Coding change: c.170-125C>T on transcript NM_001379110.1 (MANE Select); 125 bases into the intron before coding-DNA position 170, C replaced by T.
Molecular consequence: intron variant.
Genome position (GRCh38, 1-based): chrX:135,994,661, C>T. VCF-style: chrX-135994661-C-T. GRCh37 (hg19) VCF-style: chrX-135076820-C-T.
Other names: c.326-125C>T (NM_001042537.2, NM_006359.3); c.170-125C>T (NM_001177651.2, NM_001330652.2).
Identifiers: ClinVar variation 677522 (VCV000677522.2), dbSNP rs138795073, ClinGen allele CA336247401.

ClinVar aggregate classification (germline): Likely benign. Review status: criteria provided, multiple submitters, no conflicts (2 of 4 stars). 2 submissions from 2 submitters: Likely benign (2). Last evaluated 2018-06-19.

Allele frequency attached by ClinVar (database versions not stated): 1000 Genomes Project 0.00450; 1000 Genomes Project 30x 0.00479; TOPMed 0.00937; gnomAD 0.01102 and 0.01130; gnomAD exomes 0.01341.
gnomAD v4.1: 8,019 of 615,427 alleles (1.3%); highest among the groups gnomAD compares: Middle Eastern, 1.7%; 48 homozygotes.

Submissions (2):

GeneDx
Classification: Likely benign. Last evaluated: 2018-06-19. Review status: criteria provided, single submitter. Criteria: GeneDx Variant Classification (06012015). Collection method: clinical testing. Allele origin: germline. Affected: yes.
Comment: This variant is considered likely benign or benign based on one or more of the following criteria: it is a conservative change, it occurs at a poorly conserved position in the protein, it is predicted to be benign by multiple in silico algorithms, and/or has population frequency not consistent with disease.

Breakthrough Genomics
Classification: Likely benign. Review status: criteria provided, single submitter. Criteria: ACMG Guidelines, 2015. Collection method: not provided. Allele origin: germline. Inheritance: X-linked inheritance. Affected: yes.